The following is an entry in ClinVar:

NM_007194.4(CHEK2):c.587A>C (p.Asn196Thr)

Gene: CHEK2 (checkpoint kinase 2; minus strand). Cytogenetic location: 22q12.1.
Variant type: single nucleotide variant.
Coding change: c.587A>C on transcript NM_007194.4 (MANE Select); coding-DNA position 587, A replaced by C.
Protein change: p.Asn196Thr; replaces asparagine 196 with threonine.
Molecular consequence: missense variant. On other transcripts: 5 prime UTR variant (2), intron variant (1).
Genome position (GRCh38, 1-based): chr22:28,724,982, T>G on the plus strand (A>C on the coding strand, the complement: CHEK2 is on the minus strand). VCF-style: chr22-28724982-T-G. GRCh37 (hg19) VCF-style: chr22-29120970-T-G.
Other names: c.716A>C, p.Asn239Thr (NM_001005735.3, NM_001438294.1); c.-191A>C (NM_001257387.3); c.-77A>C (NM_001437942.1); c.680A>C, p.Asn227Thr (NM_001438293.1, NM_001438295.1); c.587A>C, p.Asn196Thr (NM_145862.3); c.445-59A>C (NM_001349956.3); short protein forms N196T, N227T, N239T.
Identifiers: ClinVar variation 4730155 (VCV004730155.1).

ClinVar aggregate classification (germline): Uncertain significance (1 of 4 stars; one submission).

Conditions:
Familial cancer of breast. Also called: Hereditary breast cancer; hereditary breast carcinoma; BREAST CANCER, FAMILIAL. Identifiers: Orphanet 227535, MedGen C0346153, MONDO:0016419, OMIM 114480. Disease mechanism: loss of function.

Submission:

Labcorp Genetics (formerly Invitae), Labcorp
Classification: Uncertain significance for Familial cancer of breast. Last evaluated: 2025-10-29. Review status: criteria provided, single submitter. Criteria: Invitae Variant Classification Sherloc (09022015). Collection method: clinical testing. Allele origin: germline.
Comment: This sequence change replaces asparagine, which is neutral and polar, with threonine, which is neutral and polar, at codon 196 of the CHEK2 protein (p.Asn196Thr). This variant is not present in population databases (gnomAD no frequency). This variant has not been reported in the literature in individuals affected with CHEK2-related conditions. An algorithm developed to predict the effect of missense changes on protein structure and function (PolyPhen-2) suggests that this variant is likely to be disruptive. In summary, the available evidence is currently insufficient to determine the role of this variant in disease. Therefore, it has been classified as a Variant of Uncertain Significance.